The following is an entry in ClinVar:

ClinVar aggregate classification (germline): Uncertain significance. Review status: criteria provided, multiple submitters, no conflicts (2 of 4 stars). 6 submissions from 6 submitters: Uncertain significance (6). Last evaluated 2025-11-24.

Conditions:
Hereditary cancer-predisposing syndrome. Also called: Hereditary neoplastic syndrome; Neoplastic Syndromes, Hereditary; Tumor predisposition; Hereditary Cancer Syndrome. Identifiers: Orphanet 140162, MedGen C0027672, MeSH D009386, MONDO:0015356.
Familial adenomatous polyposis 1 (FAP1). Also called: FAMILIAL ADENOMATOUS POLYPOSIS 1, ATTENUATED; POLYPOSIS, ADENOMATOUS INTESTINAL. Identifiers: MedGen C2713442, MONDO:0021056, OMIM 175100. Disease mechanism: loss of function.

Allele frequency attached by ClinVar (database versions not stated): gnomAD exomes below 0.00001; ExAC 0.00001.
gnomAD v4.1: 1 of 1,613,884 alleles (0.000062%); highest among the groups gnomAD compares: Non-Finnish European, 0.000085%; no homozygotes.

Submissions (6):

Labcorp Genetics (formerly Invitae), Labcorp
Classification: Uncertain significance for Familial adenomatous polyposis 1. Last evaluated: 2025-11-24. Review status: criteria provided, single submitter. Criteria: Invitae Variant Classification Sherloc (09022015). Collection method: clinical testing. Allele origin: germline.
Comment: This sequence change replaces glycine, which is neutral and non-polar, with serine, which is neutral and polar, at codon 2677 of the APC protein (p.Gly2677Ser). This variant is present in population databases (rs750174880, gnomAD 0.0009%). This variant has not been reported in the literature in individuals affected with APC-related conditions. ClinVar contains an entry for this variant (Variation ID: 246482). Invitae Evidence Modeling of protein sequence and biophysical properties (such as structural, functional, and spatial information, amino acid conservation, physicochemical variation, residue mobility, and thermodynamic stability) indicates that this missense variant is not expected to disrupt APC protein function with a negative predictive value of 95%. In summary, the available evidence is currently insufficient to determine the role of this variant in disease. Therefore, it has been classified as a Variant of Uncertain Significance.

Ambry Genetics
Classification: Uncertain significance for Hereditary cancer-predisposing syndrome. Last evaluated: 2024-03-15. Review status: criteria provided, single submitter. Criteria: Ambry Variant Classification Scheme 2023. Collection method: clinical testing. Allele origin: germline.
Comment: The p.G2677S variant (also known as c.8029G>A), located in coding exon 15 of the APC gene, results from a G to A substitution at nucleotide position 8029. The glycine at codon 2677 is replaced by serine, an amino acid with similar properties. In a study of whole-exome sequencing in patients with features of Cowden syndrome (CS) or Bannayan-Riley-Ruvalcaba syndrome (BRRS) and negative PTEN testing, this alteration was identified in 0/87 patients with CS or BRRS and 1/3476 patients from The Cancer Genome Atlas (TCGA) (Yehia L et al. PLoS Genet, 2018 04;14:e1007352). This amino acid position is well conserved in available vertebrate species. In addition, in silico predictors for this gene do not accurately predict pathogenicity. Since supporting evidence is limited at this time, the clinical significance of this alteration remains unclear.

GeneDx
Classification: Uncertain significance. Last evaluated: 2023-09-28. Review status: criteria provided, single submitter. Criteria: GeneDx Variant Classification Process June 2021. Collection method: clinical testing. Allele origin: germline. Affected: yes.
Comment: In silico analysis supports that this missense variant does not alter protein structure/function; This variant is associated with the following publications: (PMID: 18199528, 34371384, 29684080)

Baylor Genetics
Classification: Uncertain significance for Familial adenomatous polyposis 1. Last evaluated: 2023-08-21. Review status: criteria provided, single submitter. Criteria: ACMG Guidelines, 2015. Collection method: clinical testing. Allele origin: unknown.

Sema4
Classification: Uncertain significance for Hereditary cancer-predisposing syndrome. Last evaluated: 2022-01-13. Review status: criteria provided, single submitter. Criteria: Sema4 Curation Guidelines. Collection method: curation. Allele origin: germline.
Comment: The APC c.8029G>A (p.G2677S) variant has been reported in 1 individual with thyroid carcinoma and 1 individual with ovarian cancer (PMID: 29684080, 34371384). It was observed in 1/251240 chromosomes among all subpopulations in the large and broad cohorts of the Genome Aggregation Database (PMID: 32461654). The variant has been reported in ClinVar (Variation ID 246482). Functional studies have not been performed, and in silico predictions of the variant's effect on protein function are inconclusive. The evidence is insufficient to meet ACMG/AMP criteria for classifying the variant as benign or pathogenic. Thus, the clinical significance of this variant is currently uncertain.

Color Diagnostics, LLC DBA Color Health
Classification: Uncertain significance for Hereditary cancer-predisposing syndrome. Last evaluated: 2019-03-19. Review status: criteria provided, single submitter. Criteria: ACMG Guidelines, 2015. Collection method: clinical testing. Allele origin: germline.

Literature cited by the submitters: PubMed 29684080 (cited by Ambry Genetics and Sema4); PubMed 34371384 (cited by Sema4).

NM_000038.6(APC):c.8029G>A (p.Gly2677Ser)

Gene: APC (APC regulator of Wnt signaling pathway; plus strand). Cytogenetic location: 5q22.2.
Variant type: single nucleotide variant.
Coding change: c.8029G>A on transcript NM_000038.6 (MANE Select); coding-DNA position 8029, G replaced by A.
Protein change: p.Gly2677Ser; replaces glycine 2677 with serine.
Molecular consequence: missense variant.
Genome position (GRCh38, 1-based): chr5:112,843,623, G>A. VCF-style: chr5-112843623-G-A. GRCh37 (hg19) VCF-style: chr5-112179320-G-A.
Other names: c.8029G>A, p.Gly2677Ser (NM_001127510.3, NM_001354895.2); c.7975G>A, p.Gly2659Ser (NM_001127511.3); c.8083G>A, p.Gly2695Ser (NM_001354896.2); c.8059G>A, p.Gly2687Ser (NM_001354897.2); c.7954G>A, p.Gly2652Ser (NM_001354898.2); c.7945G>A, p.Gly2649Ser (NM_001354899.2); c.7906G>A, p.Gly2636Ser (NM_001354900.2); c.7852G>A, p.Gly2618Ser (NM_001354901.2); and 5 more; short protein forms G2659S, G2677S, G2517S, G2636S, G2652S, G2687S, G2394S, G2576S.
Identifiers: ClinVar variation 246482 (VCV000246482.21), dbSNP rs750174880, ClinGen allele CA049681.